The following is an entry in ClinVar:

NM_003072.5(SMARCA4):c.692G>T (p.Gly231Val)

Gene: SMARCA4 (SWI/SNF related BAF chromatin remodeling complex subunit ATPase 4; plus strand). Cytogenetic location: 19p13.2.
Variant type: single nucleotide variant.
Coding change: c.692G>T on transcript NM_003072.5 (MANE Select); coding-DNA position 692, G replaced by T.
Protein change: p.Gly231Val; replaces glycine 231 with valine.
Molecular consequence: missense variant. On other transcripts: non-coding transcript variant (1).
Genome position (GRCh38, 1-based): chr19:10,986,525, G>T. VCF-style: chr19-10986525-G-T. GRCh37 (hg19) VCF-style: chr19-11097201-G-T.
Other names: c.692G>T, p.Gly231Val (NM_001128844.3, NM_001128845.2, NM_001128846.2 and 6 more transcripts); short protein forms G231V.
Identifiers: ClinVar variation 2711107 (VCV002711107.3), dbSNP rs1359217827, ClinGen allele CA404057027.

ClinVar aggregate classification (germline): Uncertain significance (1 of 4 stars; one submission).

Conditions:
Rhabdoid tumor predisposition syndrome 2 (RTPS2). Identifiers: Orphanet 231108, Orphanet 69077, MedGen C2750074, MONDO:0013224, OMIM 613325.

Submission:

Labcorp Genetics (formerly Invitae), Labcorp
Classification: Uncertain significance for Rhabdoid tumor predisposition syndrome 2. Last evaluated: 2024-01-24. Review status: criteria provided, single submitter. Criteria: Invitae Variant Classification Sherloc (09022015). Collection method: clinical testing. Allele origin: germline.
Comment: This sequence change replaces glycine, which is neutral and non-polar, with valine, which is neutral and non-polar, at codon 231 of the SMARCA4 protein (p.Gly231Val). This variant is not present in population databases (gnomAD no frequency). This variant has not been reported in the literature in individuals affected with SMARCA4-related conditions. Advanced modeling of protein sequence and biophysical properties (such as structural, functional, and spatial information, amino acid conservation, physicochemical variation, residue mobility, and thermodynamic stability) performed at Invitae indicates that this missense variant is not expected to disrupt SMARCA4 protein function with a negative predictive value of 95%. In summary, the available evidence is currently insufficient to determine the role of this variant in disease. Therefore, it has been classified as a Variant of Uncertain Significance.